The following is an entry in ClinVar:

ClinVar aggregate classification (germline): Uncertain significance. Review status: criteria provided, multiple submitters, no conflicts (2 of 4 stars). 2 submissions from 2 submitters: Uncertain significance (2). Last evaluated 2025-08-27.

Conditions:
Vici syndrome (VICIS). Identifiers: Orphanet 1493, MedGen C1855772, MONDO:0009452, OMIM 242840.
Inborn genetic diseases. Identifiers: MedGen C0950123, MeSH D030342.

gnomAD v4.1: 20 of 1,614,068 alleles (0.0012%); highest among the groups gnomAD compares: Non-Finnish European, 0.0017%; no homozygotes.

Submissions (2):

Ambry Genetics
Classification: Uncertain significance for Inborn genetic diseases. Last evaluated: 2025-08-27. Review status: criteria provided, single submitter. Criteria: Ambry Variant Classification Scheme 2023. Collection method: clinical testing. Allele origin: germline.

Labcorp Genetics (formerly Invitae), Labcorp
Classification: Uncertain significance for Vici syndrome. Last evaluated: 2021-08-31. Review status: criteria provided, single submitter. Criteria: Invitae Variant Classification Sherloc (09022015). Collection method: clinical testing. Allele origin: germline.
Comment: This sequence change replaces isoleucine with asparagine at codon 1346 of the EPG5 protein (p.Ile1346Asn). The isoleucine residue is weakly conserved and there is a large physicochemical difference between isoleucine and asparagine. This variant is present in population databases (rs201968905, ExAC 0.003%). This variant has not been reported in the literature in individuals affected with EPG5-related conditions. Algorithms developed to predict the effect of missense changes on protein structure and function are either unavailable or do not agree on the potential impact of this missense change (SIFT: "Deleterious"; PolyPhen-2: "Benign"; Align-GVGD: "Class C0"). In summary, the available evidence is currently insufficient to determine the role of this variant in disease. Therefore, it has been classified as a Variant of Uncertain Significance.

NM_020964.3(EPG5):c.4037T>A (p.Ile1346Asn)

Gene: EPG5 (ectopic P-granules 5 autophagy tethering factor; minus strand). Cytogenetic location: 18q21.1.
Variant type: single nucleotide variant.
Coding change: c.4037T>A on transcript NM_020964.3 (MANE Select); coding-DNA position 4037, T replaced by A.
Protein change: p.Ile1346Asn; replaces isoleucine 1346 with asparagine.
Molecular consequence: missense variant.
Genome position (GRCh38, 1-based): chr18:45,910,689, A>T on the plus strand (T>A on the coding strand, the complement: EPG5 is on the minus strand). VCF-style: chr18-45910689-A-T. GRCh37 (hg19) VCF-style: chr18-43490654-A-T.
Other names: c.4037T>A (NM_020964.2); short protein forms I1346N.
Identifiers: ClinVar variation 1494609 (VCV001494609.7), dbSNP rs201968905, ClinGen allele CA8948994.
Genomic context (GRCh38, chr18:45,910,689, plus strand): 5'-GCAGCATGGTGGAAGTCAGCCACCTCGGTCAAACGTCTCTTCATTTCTTTCAACAAATTG[A>T]TATGAGCAGGACTTTGAAAAAACCTTCTTCCAATACAACCATCTATGGGTAACCTTAAAA-3'
Protein context (NP_066015.2, residues 1336-1356): GRRFFQSPAH[Ile1346Asn]NLLKEMKRRL